The following is an entry in ClinVar:

NM_001134407.3(GRIN2A):c.1652-276G>A

Gene: GRIN2A (glutamate ionotropic receptor NMDA type subunit 2A; minus strand). Cytogenetic location: 16p13.2.
Variant type: single nucleotide variant.
Coding change: c.1652-276G>A on transcript NM_001134407.3 (MANE Select); 276 bases into the intron before coding-DNA position 1652, G replaced by A.
Molecular consequence: intron variant.
Genome position (GRCh38, 1-based): chr16:9,834,506, C>T on the plus strand (G>A on the coding strand, the complement: GRIN2A is on the minus strand). VCF-style: chr16-9834506-C-T. GRCh37 (hg19) VCF-style: chr16-9928363-C-T.
Other names: c.1652-276G>A (NM_001134408.2, NM_000833.5).
Identifiers: ClinVar variation 669775 (VCV000669775.1), dbSNP rs141577963, ClinGen allele CA14239615.

ClinVar aggregate classification (germline): Likely benign (1 of 4 stars; one submission).

Allele frequency attached by ClinVar (database versions not stated): 1000 Genomes Project 0.00579; 1000 Genomes Project 30x 0.00656; TOPMed 0.01526; gnomAD 0.01597 and 0.01606.
gnomAD v4.1: 2,408 of 152,168 alleles (1.6%); highest among the groups gnomAD compares: Non-Finnish European, 2.7%; 36 homozygotes.

Submission:

GeneDx
Classification: Likely benign. Last evaluated: 2018-06-14. Review status: criteria provided, single submitter. Criteria: GeneDx Variant Classification (06012015). Collection method: clinical testing. Allele origin: germline. Affected: yes.
Comment: This variant is considered likely benign or benign based on one or more of the following criteria: it is a conservative change, it occurs at a poorly conserved position in the protein, it is predicted to be benign by multiple in silico algorithms, and/or has population frequency not consistent with disease.